The following is an entry in ClinVar:

ClinVar aggregate classification (germline): Uncertain significance. Review status: criteria provided, multiple submitters, no conflicts (2 of 4 stars). 3 submissions from 3 submitters: Uncertain significance (3). Last evaluated 2025-09-01.

Conditions:
Laron-type isolated somatotropin defect. Also called: Laron Syndrome; Growth hormone binding protein deficiency or dysfunction; Growth hormone receptor deficiency or dysfunction; Laron dwarfism; Laron type pituitary dwarfism I; GROWTH HORMONE RECEPTOR DEFICIENCY. Identifiers: Orphanet 633, MedGen C0271568, MONDO:0009877, OMIM 262500.
Short stature due to partial GHR deficiency. Also called: GROWTH HORMONE DEFICIENCY, ISOLATED PARTIAL; Growth hormone, insensitivity to, partial; GROWTH HORMONE INSENSITIVITY, PARTIAL. Identifiers: Orphanet 314802, Orphanet 314811, MedGen C1858656, MONDO:0011420, OMIM 604271.
Inborn genetic diseases. Identifiers: MedGen C0950123, MeSH D030342.

gnomAD v4.1: 22 of 1,613,404 alleles (0.0014%); highest among the groups gnomAD compares: Non-Finnish European, 0.0017%; no homozygotes.

Submissions (3):

Clinical Genomics Laboratory, Washington University in St. Louis
Classification: Uncertain significance for Short stature due to partial GHR deficiency; Laron-type isolated somatotropin defect. Last evaluated: 2025-09-01. Review status: criteria provided, single submitter. Criteria: ACMG Guidelines, 2015. Collection method: clinical testing. Allele origin: germline.
Comment: The GHR c.1024T>C (p.Trp342Arg) variant, to our knowledge, has not been reported in the medical literature. This variant has been reported in the ClinVar database as a germline variant of uncertain significance by one submitter. This variant is only observed in 1/251,260 alleles in the general population (gnomAD v.2.1.1), indicating it is not a common variant. Computational predictors indicate that the variant is damaging, evidence that correlates with impact to GHR function. Due to limited information, and based on ACMG/AMP guidelines for variant interpretation (Richards S et al., PMID: 25741868), the clinical significance of this variant is uncertain at this time.

Ambry Genetics
Classification: Uncertain significance for Inborn genetic diseases. Last evaluated: 2025-02-04. Review status: criteria provided, single submitter. Criteria: Ambry Variant Classification Scheme 2023. Collection method: clinical testing. Allele origin: germline.

Labcorp Genetics (formerly Invitae), Labcorp
Classification: Uncertain significance. Last evaluated: 2024-04-25. Review status: criteria provided, single submitter. Criteria: Invitae Variant Classification Sherloc (09022015). Collection method: clinical testing. Allele origin: germline.
Comment: This sequence change replaces tryptophan, which is neutral and slightly polar, with arginine, which is basic and polar, at codon 342 of the GHR protein (p.Trp342Arg). This variant is present in population databases (no rsID available, gnomAD 0.0009%). This variant has not been reported in the literature in individuals affected with GHR-related conditions. Advanced modeling of protein sequence and biophysical properties (such as structural, functional, and spatial information, amino acid conservation, physicochemical variation, residue mobility, and thermodynamic stability) performed at Invitae indicates that this missense variant is expected to disrupt GHR protein function with a positive predictive value of 80%. In summary, the available evidence is currently insufficient to determine the role of this variant in disease. Therefore, it has been classified as a Variant of Uncertain Significance.

NM_000163.5(GHR):c.1024T>C (p.Trp342Arg)

Gene: GHR (growth hormone receptor; plus strand). Cytogenetic location: 5p12.
Variant type: single nucleotide variant.
Coding change: c.1024T>C on transcript NM_000163.5 (MANE Select); coding-DNA position 1024, T replaced by C.
Protein change: p.Trp342Arg; replaces tryptophan 342 with arginine.
Molecular consequence: missense variant. On other transcripts: 3 prime UTR variant (1).
Genome position (GRCh38, 1-based): chr5:42,718,531, T>C. VCF-style: chr5-42718531-T-C. GRCh37 (hg19) VCF-style: chr5-42718633-T-C.
Other names: c.1045T>C, p.Trp349Arg (NM_001242399.2); c.1024T>C, p.Trp342Arg (NM_001242400.2, NM_001242401.4, NM_001242402.2 and 4 more transcripts); c.958T>C, p.Trp320Arg (NM_001242460.2); c.*66T>C (NM_001242462.1); c.1024T>C (NM_000163.4); short protein forms W349R, W320R, W342R.
Identifiers: ClinVar variation 3641427 (VCV003641427.4).